The following is an entry in ClinVar:

ClinVar aggregate classification (germline): Uncertain significance (1 of 4 stars; one submission).

Submission:

Women's Health and Genetics/Laboratory Corporation of America, LabCorp
Classification: Uncertain significance. Last evaluated: 2025-09-19. Review status: criteria provided, single submitter. Criteria: LabCorp Variant Classification Summary - May 2015. Collection method: clinical testing. Allele origin: germline.
Comment: Variant summary: The variant involves the duplication of exons 1-5 in the VMA22 gene. A presumed nomenclature of c.(?_-40)_(*1188_?)dup has been designated for the purposes of this classification. This duplication includes the entire coding sequence of the gene. As exact breakpoints are unknown, it may extend beyond the annotated region of the gene, to include other flanking genes. The variant allele was found at a frequency of 0.0012 in 21694 control chromosomes. This frequency is not significantly higher than estimated for disease-causing variants in VMA22, allowing no conclusion about variant significance. To our knowledge, no occurrence of c.(?_-40)_(*1188_?)dup in individuals affected with VMA22-related conditions and no experimental evidence demonstrating its impact on protein function have been reported. ClinVar contains an entry for this variant (Variation ID: 1401845). Based on the evidence outlined above, the variant was classified as uncertain significance.

NC_000002.11:g.(?_131095505)_(131099738_?)dup

Gene: VMA22 (vacuolar ATPase assembly factor VMA22; minus strand). Cytogenetic location: 2q21.1.
Variant type: Duplication.
Identifiers: ClinVar variation 4688170 (VCV004688170.1).